The following is an entry in ClinVar:

NM_000548.5(TSC2):c.412G>A (p.Glu138Lys)

Gene: TSC2 (TSC complex subunit 2; plus strand). Cytogenetic location: 16p13.3.
Variant type: single nucleotide variant.
Coding change: c.412G>A on transcript NM_000548.5 (MANE Select); coding-DNA position 412, G replaced by A.
Protein change: p.Glu138Lys; replaces glutamic acid 138 with lysine.
Molecular consequence: missense variant. On other transcripts: intron variant (1).
Genome position (GRCh38, 1-based): chr16:2,054,371, G>A. VCF-style: chr16-2054371-G-A. GRCh37 (hg19) VCF-style: chr16-2104372-G-A.
Other names: c.412G>A, p.Glu138Lys (NM_001077183.3, NM_001114382.3, NM_001363528.2 and 3 more transcripts); c.301G>A, p.Glu101Lys (NM_001318827.2); c.265G>A, p.Glu89Lys (NM_001318829.2); c.445G>A, p.Glu149Lys (NM_001318832.2); c.-1-1825G>A (NM_001318831.2); short protein forms E89K, E149K, E101K, E138K.
Identifiers: ClinVar variation 648101 (VCV000648101.18), dbSNP rs1173061992, ClinGen allele CA394307089.

ClinVar aggregate classification (germline): Conflicting classifications of pathogenicity. Review status: criteria provided, conflicting classifications (1 of 4 stars). 5 submissions from 5 submitters: Uncertain significance (4); Benign (1). Last evaluated 2025-10-07.

Conditions:
Tuberous sclerosis 2 (TSC2). Identifiers: Orphanet 805, MedGen C1860707, MONDO:0013199, OMIM 613254.
Hereditary cancer-predisposing syndrome. Also called: Hereditary Cancer Syndrome; Tumor predisposition; Neoplastic Syndromes, Hereditary; Hereditary neoplastic syndrome. Identifiers: Orphanet 140162, MedGen C0027672, MeSH D009386, MONDO:0015356.
Tuberous sclerosis syndrome (TSC). Also called: Tuberous sclerosis; Tuberous Sclerosis Complex. Identifiers: Orphanet 805, MedGen C0041341, MONDO:0001734.

Allele frequency attached by ClinVar (database versions not stated): gnomAD exomes below 0.00001 and 0.00001.

Submissions (5):

Labcorp Genetics (formerly Invitae), Labcorp
Classification: Benign for Tuberous sclerosis 2. Last evaluated: 2025-10-07. Review status: criteria provided, single submitter. Criteria: Invitae Variant Classification Sherloc (09022015). Collection method: clinical testing. Allele origin: germline.

Ambry Genetics
Classification: Uncertain significance for Hereditary cancer-predisposing syndrome. Last evaluated: 2024-11-22. Review status: criteria provided, single submitter. Criteria: Ambry Variant Classification Scheme 2023. Collection method: clinical testing. Allele origin: germline.
Comment: The p.E138K variant (also known as c.412G>A), located in coding exon 4 of the TSC2 gene, results from a G to A substitution at nucleotide position 412. The glutamic acid at codon 138 is replaced by lysine, an amino acid with similar properties. This amino acid position is well conserved in available vertebrate species. In addition, the in silico prediction for this alteration is inconclusive. Based on the available evidence, the clinical significance of this variant remains unclear.

All of Us Research Program, National Institutes of Health
Classification: Uncertain significance for Tuberous sclerosis syndrome. Last evaluated: 2023-12-18. Review status: criteria provided, single submitter. Criteria: ACMG Guidelines, 2015. Collection method: clinical testing. Allele origin: germline. Inheritance: Autosomal dominant inheritance. Observed: 1 variant allele, 1 heterozygote.
Comment: This missense variant replaces glutamic acid with lysine at codon 138 of the TSC2 protein. Computational prediction suggests that this variant may not impact protein structure and function (internally defined REVEL score threshold <= 0.5, PMID: 27666373). To our knowledge, functional studies have not been reported for this variant. This variant has not been reported in individuals affected with TSC2-related disorders in the literature. This variant has been identified in 1/251484 chromosomes in the general population by the Genome Aggregation Database (gnomAD). The available evidence is insufficient to determine the role of this variant in disease conclusively. Therefore, this variant is classified as a Variant of Uncertain Significance.

This study involves interpretation of variants in research participants for the purpose of population health screening. Participant phenotype was not available at the time of variant classification. Additional details can be found in publication PMID: 35346344, PMCID: PMC8962531

GeneDx
Classification: Uncertain significance. Last evaluated: 2021-07-01. Review status: criteria provided, single submitter. Criteria: GeneDx Variant Classification Process June 2021. Collection method: clinical testing. Allele origin: germline. Affected: yes.
Comment: In silico analysis supports that this missense variant does not alter protein structure/function; Has not been previously published as pathogenic or benign to our knowledge; This variant is associated with the following publications: (PMID: 27535533, 18466115)

Revvity Omics, Revvity
Classification: Uncertain significance for Tuberous sclerosis 2. Last evaluated: 2020-10-28. Review status: criteria provided, single submitter. Criteria: ACMG Guidelines, 2015. Collection method: clinical testing. Allele origin: germline.